The following is an entry in ClinVar:

ClinVar aggregate classification (germline): Uncertain significance. Review status: criteria provided, multiple submitters, no conflicts (2 of 4 stars). 2 submissions from 2 submitters: Uncertain significance (2). Last evaluated 2025-01-27.

Allele frequency attached by ClinVar (database versions not stated): ExAC 0.00001; gnomAD exomes 0.00002 and 0.00003; gnomAD 0.00004; TOPMed 0.00004.
gnomAD v4.1: 37 of 1,614,010 alleles (0.0023%); highest among the groups gnomAD compares: East Asian, 0.018%; no homozygotes.

Submissions (2):

Labcorp Genetics (formerly Invitae), Labcorp
Classification: Uncertain significance. Last evaluated: 2025-01-27. Review status: criteria provided, single submitter. Criteria: Invitae Variant Classification Sherloc (09022015). Collection method: clinical testing. Allele origin: germline.
Comment: This sequence change replaces alanine, which is neutral and non-polar, with valine, which is neutral and non-polar, at codon 90 of the ADAMTS18 protein (p.Ala90Val). This variant is present in population databases (rs758362638, gnomAD 0.03%). This variant has not been reported in the literature in individuals affected with ADAMTS18-related conditions. ClinVar contains an entry for this variant (Variation ID: 939759). An algorithm developed to predict the effect of missense changes on protein structure and function (PolyPhen-2) suggests that this variant is likely to be tolerated. In summary, the available evidence is currently insufficient to determine the role of this variant in disease. Therefore, it has been classified as a Variant of Uncertain Significance.

Blueprint Genetics
Classification: Uncertain significance. Last evaluated: 2023-07-13. Review status: criteria provided, single submitter. Criteria: ACMG Guidelines, 2015. Collection method: clinical testing. Allele origin: germline.

NM_199355.4(ADAMTS18):c.269C>T (p.Ala90Val)

Gene: ADAMTS18 (ADAM metallopeptidase with thrombospondin type 1 motif 18; minus strand). Cytogenetic location: 16q23.1.
Variant type: single nucleotide variant.
Coding change: c.269C>T on transcript NM_199355.4 (MANE Select); coding-DNA position 269, C replaced by T.
Protein change: p.Ala90Val; replaces alanine 90 with valine.
Molecular consequence: missense variant. On other transcripts: 5 prime UTR variant (1).
Genome position (GRCh38, 1-based): chr16:77,431,521, G>A on the plus strand (C>T on the coding strand, the complement: ADAMTS18 is on the minus strand). VCF-style: chr16-77431521-G-A. GRCh37 (hg19) VCF-style: chr16-77465418-G-A.
Other names: c.-252C>T (NM_001326358.2); short protein forms A90V.
Identifiers: ClinVar variation 939759 (VCV000939759.10), dbSNP rs758362638, ClinGen allele CA8181724.